The following is an entry in ClinVar:

ClinVar aggregate classification (germline): Uncertain significance (1 of 4 stars; one submission).

Conditions:
Hereditary cancer-predisposing syndrome. Also called: Neoplastic Syndromes, Hereditary; Hereditary Cancer Syndrome; Hereditary neoplastic syndrome; Tumor predisposition. Identifiers: Orphanet 140162, MedGen C0027672, MeSH D009386, MONDO:0015356.

Submission:

Ambry Genetics
Classification: Uncertain significance for Hereditary cancer-predisposing syndrome. Last evaluated: 2023-04-06. Review status: criteria provided, single submitter. Criteria: Ambry Variant Classification Scheme 2023. Collection method: clinical testing. Allele origin: germline.
Comment: The p.G435R variant (also known as c.1303G>A), located in coding exon 13 of the BAP1 gene, results from a G to A substitution at nucleotide position 1303. The glycine at codon 435 is replaced by arginine, an amino acid with dissimilar properties. This amino acid position is highly conserved in available vertebrate species. In addition, the in silico prediction for this alteration is inconclusive. In silico splice site analysis predicts that this alteration may result in the creation or strengthening of a novel splice acceptor site. RNA studies have demonstrated that this alteration results in an incomplete splice defect; the clinical impact of this abnormal splicing is unknown at this time (Ambry internal data). Since supporting evidence is limited at this time, the clinical significance of this alteration remains unclear.

NM_004656.4(BAP1):c.1303G>A (p.Gly435Arg)

Gene: BAP1 (BRCA1 associated deubiquitinase 1; minus strand). Cytogenetic location: 3p21.1.
Variant type: single nucleotide variant.
Coding change: c.1303G>A on transcript NM_004656.4 (MANE Select); coding-DNA position 1303, G replaced by A.
Protein change: p.Gly435Arg; replaces glycine 435 with arginine.
Molecular consequence: missense variant.
Genome position (GRCh38, 1-based): chr3:52,403,842, C>T on the plus strand (G>A on the coding strand, the complement: BAP1 is on the minus strand). VCF-style: chr3-52403842-C-T. GRCh37 (hg19) VCF-style: chr3-52437858-C-T.
Other names: c.1249G>A, p.Gly417Arg (NM_001410772.1); short protein forms G435R, G417R.
Identifiers: ClinVar variation 2565166 (VCV002565166.2), dbSNP rs2471330184, ClinGen allele CA353102241.